The following is an entry in ClinVar:

ClinVar aggregate classification (germline): Uncertain significance. Review status: criteria provided, multiple submitters, no conflicts (2 of 4 stars). 2 submissions from 2 submitters: Uncertain significance (2). Last evaluated 2023-03-24.

Allele frequency attached by ClinVar (database versions not stated): gnomAD 0.00001; TOPMed 0.00001; gnomAD exomes 0.00002 and 0.00003; ExAC 0.00004.
gnomAD v4.1: 28 of 1,570,732 alleles (0.0018%); highest among the groups gnomAD compares: Admixed American, 0.0058%; no homozygotes.

Submissions (2):

Ambry Genetics
Classification: Uncertain significance. Last evaluated: 2023-03-24. Review status: criteria provided, single submitter. Criteria: Ambry Variant Classification Scheme 2023. Collection method: clinical testing. Allele origin: germline.

Labcorp Genetics (formerly Invitae), Labcorp
Classification: Uncertain significance. Last evaluated: 2022-09-06. Review status: criteria provided, single submitter. Criteria: Invitae Variant Classification Sherloc (09022015). Collection method: clinical testing. Allele origin: germline.
Comment: This sequence change replaces proline, which is neutral and non-polar, with leucine, which is neutral and non-polar, at codon 838 of the FCHO1 protein (p.Pro838Leu). This variant is present in population databases (rs766938789, gnomAD 0.01%). This variant has not been reported in the literature in individuals affected with FCHO1-related conditions. ClinVar contains an entry for this variant (Variation ID: 1363069). Algorithms developed to predict the effect of missense changes on protein structure and function are either unavailable or do not agree on the potential impact of this missense change (SIFT: "Tolerated"; PolyPhen-2: "Possibly Damaging"; Align-GVGD: "Class C0"). In summary, the available evidence is currently insufficient to determine the role of this variant in disease. Therefore, it has been classified as a Variant of Uncertain Significance.

NM_015122.3(FCHO1):c.2513C>T (p.Pro838Leu)

Gene: FCHO1 (FCH and mu domain containing endocytic adaptor 1; plus strand). Cytogenetic location: 19p13.11.
Variant type: single nucleotide variant.
Coding change: c.2513C>T on transcript NM_015122.3 (MANE Select); coding-DNA position 2513, C replaced by T.
Protein change: p.Pro838Leu; replaces proline 838 with leucine.
Molecular consequence: missense variant. On other transcripts: synonymous variant (3), non-coding transcript variant (36).
Genome position (GRCh38, 1-based): chr19:17,787,712, C>T. VCF-style: chr19-17787712-C-T. GRCh37 (hg19) VCF-style: chr19-17898521-C-T.
Other names: c.2513C>T, p.Pro838Leu (NM_001161357.2, NM_001161358.2, NM_001384370.1 and 11 more transcripts); c.2363C>T, p.Pro788Leu (NM_001161359.2, NM_001384384.1, NM_001384385.1 and 1 more transcripts); c.2492C>T, p.Pro831Leu (NM_001384387.1); c.2474C>T, p.Pro825Leu (NM_001384388.1, NM_001384389.1); c.2438C>T, p.Pro813Leu (NM_001384390.1); c.2313C>T, p.Ala771= (NM_001384391.1); c.2396C>T, p.Pro799Leu (NM_001384392.1, NM_001384393.1, NM_001384394.1 and 1 more transcripts); c.2237C>T, p.Pro746Leu (NM_001384396.1, NM_001384397.1, NM_001384398.1 and 4 more transcripts); and 6 more; short protein forms P731L, P537L, P746L, P799L, P825L, P831L, P838L, P714L.
Identifiers: ClinVar variation 1363069 (VCV001363069.4), dbSNP rs766938789, ClinGen allele CA9300913.
Genomic context (GRCh38, chr19:17,787,712, plus strand): 5'-CAGGGCGCAGCTGACTGCAGGTCTCCCCAGGTTCTGGCCGCCTCTCTGCCAGCTGGGAGC[C>T]GCTCTCAGGGCCCAGCACACCCAGCCCCGTGGCTGCACAGTTCACCAGCGAGGGGACCAC-3'
Protein context (NP_055937.1, residues 828-848): GSGRLSASWE[Pro838Leu]LSGPSTPSPV